The following is an entry in ClinVar:

ClinVar aggregate classification (germline): Uncertain significance. Review status: criteria provided, multiple submitters, no conflicts (2 of 4 stars). 2 submissions from 2 submitters: Uncertain significance (2). Last evaluated 2025-11-26.

Conditions:
Inborn genetic diseases. Identifiers: MedGen C0950123, MeSH D030342.

Allele frequency attached by ClinVar (database versions not stated): gnomAD 0.00002; TOPMed 0.00002.
gnomAD v4.1: 11 of 1,613,050 alleles (0.00068%); highest among the groups gnomAD compares: African/African-American, 0.0027%; no homozygotes.

Submissions (2):

Ambry Genetics
Classification: Uncertain significance for Inborn genetic diseases. Last evaluated: 2025-11-26. Review status: criteria provided, single submitter. Criteria: Ambry Variant Classification Scheme 2023. Collection method: clinical testing. Allele origin: germline.

Labcorp Genetics (formerly Invitae), Labcorp
Classification: Uncertain significance. Last evaluated: 2022-11-16. Review status: criteria provided, single submitter. Criteria: Invitae Variant Classification Sherloc (09022015). Collection method: clinical testing. Allele origin: germline.
Comment: In summary, the available evidence is currently insufficient to determine the role of this variant in disease. Therefore, it has been classified as a Variant of Uncertain Significance. Advanced modeling of protein sequence and biophysical properties (such as structural, functional, and spatial information, amino acid conservation, physicochemical variation, residue mobility, and thermodynamic stability) performed at Invitae indicates that this missense variant is expected to disrupt SPTBN2 protein function. This variant has not been reported in the literature in individuals affected with SPTBN2-related conditions. This variant is not present in population databases (gnomAD no frequency). This sequence change replaces valine, which is neutral and non-polar, with methionine, which is neutral and non-polar, at codon 448 of the SPTBN2 protein (p.Val448Met).

NM_006946.4(SPTBN2):c.1342G>A (p.Val448Met)

Gene: SPTBN2 (spectrin beta, non-erythrocytic 2; minus strand). Cytogenetic location: 11q13.2.
Variant type: single nucleotide variant.
Coding change: c.1342G>A on transcript NM_006946.4 (MANE Select); coding-DNA position 1342, G replaced by A.
Protein change: p.Val448Met; replaces valine 448 with methionine.
Molecular consequence: missense variant.
Genome position (GRCh38, 1-based): chr11:66,708,149, C>T on the plus strand (G>A on the coding strand, the complement: SPTBN2 is on the minus strand). VCF-style: chr11-66708149-C-T. GRCh37 (hg19) VCF-style: chr11-66475620-C-T.
Other names: c.1342G>A (NM_006946.2); c.1363G>A, p.Val455Met (NM_001411025.1); short protein forms V455M, V448M.
Identifiers: ClinVar variation 2104602 (VCV002104602.5), dbSNP rs1171496265, ClinGen allele CA381481064.